The following is an entry in ClinVar:

NM_000179.3(MSH6):c.1023T>G (p.Ser341=)

Gene: MSH6 (mutS homolog 6; plus strand). Cytogenetic location: 2p16.3.
Variant type: single nucleotide variant.
Coding change: c.1023T>G on transcript NM_000179.3 (MANE Select); coding-DNA position 1023, T replaced by G.
Protein change: p.Ser341=; no amino-acid change (serine 341 retained).
Molecular consequence: synonymous variant.
Genome position (GRCh38, 1-based): chr2:47,799,006, T>G. VCF-style: chr2-47799006-T-G. GRCh37 (hg19) VCF-style: chr2-48026145-T-G.
Other names: c.633T>G, p.Ser211= (NM_001281492.2); c.117T>G, p.Ser39= (NM_001281493.2, NM_001281494.2).
Identifiers: ClinVar variation 1670817 (VCV001670817.11), dbSNP rs2104314201, ClinGen allele CA426120790.
Genomic context (GRCh38, chr2:47,799,006, plus strand): 5'-AGCCACCAAACAAGCAACTAGCATTTCATCAGAAACCAAGAATACTTTGAGAGCTTTCTC[T>G]GCCCCTCAAAATTCTGAATCCCAAGCCCACGTTAGTGGAGGTGGTGATGACAGTAGTCGC-3'
Protein context (NP_000170.1, residues 331-351): SETKNTLRAF[Ser341=]APQNSESQAH

ClinVar aggregate classification (germline): Benign/Likely benign. Review status: criteria provided, multiple submitters, no conflicts (2 of 4 stars). 3 submissions from 3 submitters: Benign (1); Likely benign (2). Last evaluated 2024-12-20.

Conditions:
Hereditary cancer-predisposing syndrome. Also called: Tumor predisposition; Hereditary neoplastic syndrome; Hereditary Cancer Syndrome; Neoplastic Syndromes, Hereditary. Identifiers: Orphanet 140162, MedGen C0027672, MeSH D009386, MONDO:0015356.
Hereditary nonpolyposis colorectal neoplasms. Identifiers: MedGen C0009405, MeSH D003123.
Lynch syndrome 5 (LYNCH5). Also called: Colorectal cancer, hereditary nonpolyposis, type 5; Hereditary non-polyposis colorectal cancer, type 5. Identifiers: Orphanet 144, MedGen C1833477, MONDO:0013710, OMIM 614350. Disease mechanism: loss of function.

Submissions (3):

Myriad Genetics, Inc.
Classification: Benign for Lynch syndrome 5. Last evaluated: 2024-12-20. Review status: criteria provided, single submitter. Criteria: Myriad Autosomal Dominant, Autosomal Recessive and X-Linked Classification Criteria (2023). Collection method: clinical testing. Allele origin: unknown.
Comment: This variant is considered benign. This variant is a silent/synonymous amino acid change and it is not expected to impact splicing.

Ambry Genetics
Classification: Likely benign for Hereditary cancer-predisposing syndrome. Last evaluated: 2021-10-26. Review status: criteria provided, single submitter. Criteria: Ambry Variant Classification Scheme 2023. Collection method: clinical testing. Allele origin: germline.

Labcorp Genetics (formerly Invitae), Labcorp
Classification: Likely benign for Hereditary nonpolyposis colorectal neoplasms. Last evaluated: 2021-06-27. Review status: criteria provided, single submitter. Criteria: Invitae Variant Classification Sherloc (09022015). Collection method: clinical testing. Allele origin: germline.